The following is an entry in ClinVar:

ClinVar aggregate classification (germline): Uncertain significance (1 of 4 stars; one submission).

Conditions:
Maple syrup urine disease (MSUD). Identifiers: Orphanet 511, MedGen C0024776, MeSH D008375, MONDO:0009563. Disease mechanism: loss of function.

Allele frequency attached by ClinVar (database versions not stated): gnomAD exomes below 0.00001; gnomAD 0.00001.
gnomAD v4.1: 3 of 1,613,570 alleles (0.00019%); highest among the groups gnomAD compares: African/African-American, 0.0027%; no homozygotes.

Submission:

Labcorp Genetics (formerly Invitae), Labcorp
Classification: Uncertain significance for Maple syrup urine disease. Last evaluated: 2022-09-13. Review status: criteria provided, single submitter. Criteria: Invitae Variant Classification Sherloc (09022015). Collection method: clinical testing. Allele origin: germline.
Comment: This sequence change replaces aspartic acid, which is acidic and polar, with glutamic acid, which is acidic and polar, at codon 152 of the BCKDHA protein (p.Asp152Glu). This variant is not present in population databases (gnomAD no frequency). This variant has not been reported in the literature in individuals affected with BCKDHA-related conditions. Algorithms developed to predict the effect of missense changes on protein structure and function (SIFT, PolyPhen-2, Align-GVGD) all suggest that this variant is likely to be disruptive. This variant disrupts the p.Asp152 amino acid residue in BCKDHA. Other variant(s) that disrupt this residue have been determined to be pathogenic (PMID: 18378174; Invitae). This suggests that this residue is clinically significant, and that variants that disrupt this residue are likely to be disease-causing. In summary, the available evidence is currently insufficient to determine the role of this variant in disease. Therefore, it has been classified as a Variant of Uncertain Significance.

Literature cited by the submitters: PubMed 18378174.

NM_000709.4(BCKDHA):c.456C>A (p.Asp152Glu)

Gene: BCKDHA (branched chain keto acid dehydrogenase E1 subunit alpha; plus strand). Cytogenetic location: 19q13.2.
Variant type: single nucleotide variant.
Coding change: c.456C>A on transcript NM_000709.4 (MANE Select); coding-DNA position 456, C replaced by A.
Protein change: p.Asp152Glu; replaces aspartic acid 152 with glutamic acid.
Molecular consequence: missense variant.
Genome position (GRCh38, 1-based): chr19:41,414,129, C>A. VCF-style: chr19-41414129-C-A. GRCh37 (hg19) VCF-style: chr19-41920034-C-A.
Other names: c.456C>A, p.Asp152Glu (NM_001164783.2); short protein forms D152E.
Identifiers: ClinVar variation 1949890 (VCV001949890.2), dbSNP rs2039284812, ClinGen allele CA406008204.
Genomic context (GRCh38, chr19:41,414,129, plus strand): 5'-GACCAACTATGGTGAGGAGGGCACGCACGTGGGGAGTGCCGCCGCCCTGGACAACACGGA[C>A]CTGGTGTTTGGCCAGTACCGGGAGGCAGGTACGTCTGTCCGTGGTTTGGCCCTGTGGTCC-3'
Protein context (NP_000700.1, residues 142-162): VGSAAALDNT[Asp152Glu]LVFGQYREAG